The following is an entry in ClinVar:

ClinVar aggregate classification (germline): Likely benign (1 of 4 stars; one submission).

Submission:

CeGaT Center for Human Genetics Tuebingen
Classification: Likely benign. Last evaluated: 2023-03-01. Review status: criteria provided, single submitter. Criteria: CeGaT Center For Human Genetics Tuebingen Variant Classification Criteria Version 2. Collection method: clinical testing. Allele origin: germline. Affected: yes. Observed: 1 variant allele.
Comment: SYNE1: PM2:Supporting, BP4, BP7

NM_182961.4(SYNE1):c.7134G>A (p.Leu2378=)

Gene: SYNE1 (spectrin repeat containing nuclear envelope protein 1; minus strand). Cytogenetic location: 6q25.2.
Variant type: single nucleotide variant.
Coding change: c.7134G>A on transcript NM_182961.4 (MANE Select); coding-DNA position 7134, G replaced by A.
Protein change: p.Leu2378=; no amino-acid change (leucine 2378 retained).
Molecular consequence: synonymous variant.
Genome position (GRCh38, 1-based): chr6:152,399,719, C>T on the plus strand (G>A on the coding strand, the complement: SYNE1 is on the minus strand). VCF-style: chr6-152399719-C-T. GRCh37 (hg19) VCF-style: chr6-152720854-C-T.
Other names: c.7155G>A, p.Leu2385= (NM_033071.5).
Identifiers: ClinVar variation 2657029 (VCV002657029.24), dbSNP rs2494104519, ClinGen allele CA452753462.